The following is an entry in ClinVar:

NM_006231.4(POLE):c.3587C>T (p.Thr1196Met)

Gene: POLE (DNA polymerase epsilon, catalytic subunit; minus strand). Cytogenetic location: 12q24.33.
Variant type: single nucleotide variant.
Coding change: c.3587C>T on transcript NM_006231.4 (MANE Select); coding-DNA position 3587, C replaced by T.
Protein change: p.Thr1196Met; replaces threonine 1196 with methionine.
Molecular consequence: missense variant.
Genome position (GRCh38, 1-based): chr12:132,649,885, G>A on the plus strand (C>T on the coding strand, the complement: POLE is on the minus strand). VCF-style: chr12-132649885-G-A. GRCh37 (hg19) VCF-style: chr12-133226471-G-A.
Other names: c.3587C>T (NM_006231.2); short protein forms T1196M.
Identifiers: ClinVar variation 619900 (VCV000619900.13), dbSNP rs866237249, ClinGen allele CA246310674.

ClinVar aggregate classification (germline): Conflicting classifications of pathogenicity. Review status: criteria provided, conflicting classifications (1 of 4 stars). 5 submissions from 5 submitters: Uncertain significance (3); Likely benign (2). Last evaluated 2025-11-17.

Conditions:
Hereditary cancer-predisposing syndrome. Also called: Neoplastic Syndromes, Hereditary; Hereditary Cancer Syndrome; Hereditary neoplastic syndrome; Tumor predisposition. Identifiers: Orphanet 140162, MedGen C0027672, MeSH D009386, MONDO:0015356.

Allele frequency attached by ClinVar (database versions not stated): gnomAD 0.00001 and 0.00002; gnomAD exomes below 0.00001 and 0.00001; TOPMed below 0.00001.
gnomAD v4.1: 13 of 1,613,492 alleles (0.00081%); highest among the groups gnomAD compares: East Asian, 0.0067%; no homozygotes.

Submissions (5):

Dasa
Classification: Likely benign. Last evaluated: 2025-11-17. Review status: criteria provided, single submitter. Criteria: DASA Assertion Criteria. Collection method: clinical testing. Allele origin: germline.
Comment: NM_006231.4(POLE):c.3587C>T (p.Thr1196Met) is a missense variant that results in the substitution of threonine with methionine. The variant context is inconsistent with a known disease-causing mechanism. Computational prediction algorithms are consistent with a benign effect. Therefore, based on the currently available evidence, this variant is classified as likely benign.

Labcorp Genetics (formerly Invitae), Labcorp
Classification: Uncertain significance. Last evaluated: 2025-10-14. Review status: criteria provided, single submitter. Criteria: Invitae Variant Classification Sherloc (09022015). Collection method: clinical testing. Allele origin: germline.
Comment: This sequence change replaces threonine, which is neutral and polar, with methionine, which is neutral and non-polar, at codon 1196 of the POLE protein (p.Thr1196Met). The frequency data for this variant in the population databases is considered unreliable, as metrics indicate poor data quality at this position in the gnomAD database. This variant has not been reported in the literature in individuals affected with POLE-related conditions. ClinVar contains an entry for this variant (Variation ID: 619900). Invitae Evidence Modeling of protein sequence and biophysical properties (such as structural, functional, and spatial information, amino acid conservation, physicochemical variation, residue mobility, and thermodynamic stability) indicates that this missense variant is not expected to disrupt POLE protein function with a negative predictive value of 80%. In summary, the available evidence is currently insufficient to determine the role of this variant in disease. Therefore, it has been classified as a Variant of Uncertain Significance.

Ambry Genetics
Classification: Likely benign for Hereditary cancer-predisposing syndrome. Last evaluated: 2025-04-23. Review status: criteria provided, single submitter. Criteria: Ambry Variant Classification Scheme 2023. Collection method: clinical testing. Allele origin: germline.

Center for Genomic Medicine, Rigshospitalet, Copenhagen University Hospital
Classification: Uncertain significance. Last evaluated: 2025-03-04. Review status: criteria provided, single submitter. Criteria: ACMG Guidelines, 2015. Collection method: clinical testing. Allele origin: germline.

Quest Diagnostics Nichols Institute San Juan Capistrano
Classification: Uncertain significance. Last evaluated: 2018-01-28. Review status: criteria provided, single submitter. Criteria: Quest Diagnostics criteria. Collection method: clinical testing. Allele origin: germline.